The following is an entry in ClinVar:

NM_018979.4(WNK1):c.5448+5G>C

Gene: WNK1 (WNK lysine deficient protein kinase 1; plus strand). Cytogenetic location: 12p13.33.
Variant type: single nucleotide variant.
Coding change: c.5448+5G>C on transcript NM_018979.4 (MANE Select); 5 bases into the intron after coding-DNA position 5448, G replaced by C.
Molecular consequence: intron variant.
Genome position (GRCh38, 1-based): chr12:889,228, G>C. VCF-style: chr12-889228-G-C. GRCh37 (hg19) VCF-style: chr12-998394-G-C.
Other names: c.6204+5G>C (NM_213655.5); c.6228+5G>C (NM_001184985.2); c.4707+5G>C (NM_014823.3).
Identifiers: ClinVar variation 3380061 (VCV003380061.2).

ClinVar aggregate classification (germline): Uncertain significance. Review status: criteria provided, multiple submitters, no conflicts (2 of 4 stars). 2 submissions from 2 submitters: Uncertain significance (2). Last evaluated 2024-03-13.

Conditions:
Neuropathy, hereditary sensory and autonomic, type 2A (HSAN2A). Also called: ACROOSTEOLYSIS, GIACCAI TYPE; ACROOSTEOLYSIS, NEUROGENIC; MORVAN DISEASE; NEUROPATHY, CONGENITAL SENSORY; NEUROPATHY, HEREDITARY SENSORY RADICULAR, AUTOSOMAL RECESSIVE; NEUROPATHY, HEREDITARY SENSORY, TYPE IIA. Identifiers: Orphanet 970, MedGen C2752089, MONDO:0024309, OMIM 201300.
Pseudohypoaldosteronism type 2C (PHA2C). Also called: Pseudohypoaldosteronism Type IIC. Identifiers: Orphanet 757, Orphanet 88940, MedGen C1840391, MONDO:0013778, OMIM 614492.

Submissions (2):

Fulgent Genetics
Classification: Uncertain significance for Neuropathy, hereditary sensory and autonomic, type 2A; Pseudohypoaldosteronism type 2C. Last evaluated: 2024-03-13. Review status: criteria provided, single submitter. Criteria: ACMG Guidelines, 2015. Collection method: clinical testing. Allele origin: germline.

Mayo Clinic Laboratories, Mayo Clinic
Classification: Uncertain significance. Last evaluated: 2023-09-06. Review status: criteria provided, single submitter. Criteria: ACMG Guidelines, 2015. Collection method: clinical testing. Allele origin: germline. Observed: 1 variant allele.
Comment: PP3, PM2_moderate